The following is an entry in ClinVar:

NM_001855.5(COL15A1):c.3912A>G (p.Ile1304Met)

Gene: COL15A1 (collagen type XV alpha 1 chain; plus strand). Cytogenetic location: 9q22.33.
Variant type: single nucleotide variant.
Coding change: c.3912A>G on transcript NM_001855.5 (MANE Select); coding-DNA position 3912, A replaced by G.
Protein change: p.Ile1304Met; replaces isoleucine 1304 with methionine.
Molecular consequence: missense variant.
Genome position (GRCh38, 1-based): chr9:99,068,629, A>G. VCF-style: chr9-99068629-A-G. GRCh37 (hg19) VCF-style: chr9-101830911-A-G.
Other names: c.3912A>G (NM_001855.4); short protein forms I1304M.
Identifiers: ClinVar variation 2659350 (VCV002659350.25), dbSNP rs41313325, ClinGen allele CA5156018.
Genomic context (GRCh38, chr9:99,068,629, plus strand): 5'-TAATAATTGGGACTCAATTTTTTCTGGCCACGGAGGTCAGTTCAATATGCATATTCCAAT[A>G]TACTCCTTTGATGGTCGAGACATAATGACAGATCCTTCTTGGTAAGTGAGGGTGGAAGTT-3'
Protein context (NP_001846.3, residues 1294-1314): HGGQFNMHIP[Ile1304Met]YSFDGRDIMT

ClinVar aggregate classification (germline): Likely benign. Review status: criteria provided, single submitter (1 of 4 stars). 2 submissions from 2 submitters: Likely benign (1). 1 of the submissions does not count toward it. Last evaluated 2025-04-01.

Conditions:
COL15A1-related disorder. Also called: COL15A1-related condition.

Allele frequency attached by ClinVar (database versions not stated): 1000 Genomes Project 30x 0.00125; 1000 Genomes Project 0.00140; ExAC 0.00214; TOPMed 0.00239; gnomAD 0.00249; ESP Exome Variant Server 0.00323; gnomAD exomes 0.00429.
gnomAD v4.1: 6,324 of 1,560,296 alleles (0.41%); highest among the groups gnomAD compares: Non-Finnish European, 0.49%; 27 homozygotes.

Submissions (2):

CeGaT Center for Human Genetics Tuebingen
Classification: Likely benign. Last evaluated: 2025-04-01. Review status: criteria provided, single submitter. Criteria: CeGaT Center For Human Genetics Tuebingen Variant Classification Criteria Version 2. Collection method: clinical testing. Allele origin: germline. Affected: yes. Observed: 2 variant alleles.
Comment: COL15A1: BP4, BS2

PreventionGenetics, part of Exact Sciences
Classification: Likely benign for COL15A1-related condition. Last evaluated: 2023-06-05. Review status: no assertion criteria provided. Collection method: clinical testing. Allele origin: germline. Not counted in ClinVar's aggregate classification.
Comment: This variant is classified as likely benign based on ACMG/AMP sequence variant interpretation guidelines (Richards et al. 2015 PMID: 25741868, with internal and published modifications).